The following is an entry in ClinVar:

NM_002661.5(PLCG2):c.421A>G (p.Ile141Val)

Gene: PLCG2 (phospholipase C gamma 2; plus strand). Cytogenetic location: 16q23.3.
Variant type: single nucleotide variant.
Coding change: c.421A>G on transcript NM_002661.5 (MANE Select); coding-DNA position 421, A replaced by G.
Protein change: p.Ile141Val; replaces isoleucine 141 with valine.
Molecular consequence: missense variant.
Genome position (GRCh38, 1-based): chr16:81,858,346, A>G. VCF-style: chr16-81858346-A-G. GRCh37 (hg19) VCF-style: chr16-81891951-A-G.
Other names: c.421A>G (NM_002661.3); short protein forms I141V.
Identifiers: ClinVar variation 650329 (VCV000650329.52), dbSNP rs554363067, ClinGen allele CA8193175.
Genomic context (GRCh38, chr16:81,858,346, plus strand): 5'-AACTGGCTCTCTGGCTTGAAAATCTTACACCAGGAAGCGATGAATGCGTCCACGCCCACC[A>G]TTATCGAGAGGTAGTTGGCTTTTGCCTGTTGATTTGCGTAGTTGCTGATTCCTTTATTCT-3'
Protein context (NP_002652.2, residues 131-151): QEAMNASTPT[Ile141Val]IESWLRKQIY

ClinVar aggregate classification (germline): Conflicting classifications of pathogenicity. Review status: criteria provided, conflicting classifications (1 of 4 stars). 6 submissions from 6 submitters: Uncertain significance (3); Likely benign (1). 2 of the submissions do not count toward it. Last evaluated 2025-10-23.

Conditions:
Inborn genetic diseases. Identifiers: MedGen C0950123, MeSH D030342.
Familial cold autoinflammatory syndrome 3 (FCAS3). Also called: FAMILIAL ATYPICAL COLD URTICARIA; ANTIBODY DEFICIENCY AND IMMUNE DYSREGULATION, PLCG2-ASSOCIATED. Identifiers: Orphanet 300359, MedGen C3280914, MONDO:0013766, OMIM 614468.
Autoinflammation-PLCG2-associated antibody deficiency-immune dysregulation. Also called: Autoinflammation, antibody deficiency, and immune dysregulation, plcg2-associated; AUTOINFLAMMATION, ANTIBODY DEFICIENCY, AND IMMUNE DYSREGULATION; Autoinflammation, antibody deficiency, and immune dysregulation syndrome. Identifiers: Orphanet 324530, MedGen C3553961, MONDO:0013944, OMIM 614878.

Allele frequency attached by ClinVar (database versions not stated): gnomAD exomes 0.00004 and 0.00006; gnomAD 0.00005 and 0.00006; ExAC 0.00002; TOPMed 0.00003.
gnomAD v4.1: 71 of 1,612,500 alleles (0.0044%); highest among the groups gnomAD compares: Non-Finnish European, 0.0055%; no homozygotes.

Submissions (6):

Labcorp Genetics (formerly Invitae), Labcorp
Classification: Uncertain significance for Familial cold autoinflammatory syndrome 3. Last evaluated: 2025-10-23. Review status: criteria provided, single submitter. Criteria: Invitae Variant Classification Sherloc (09022015). Collection method: clinical testing. Allele origin: germline.
Comment: This sequence change replaces isoleucine, which is neutral and non-polar, with valine, which is neutral and non-polar, at codon 141 of the PLCG2 protein (p.Ile141Val). This variant is present in population databases (rs554363067, gnomAD 0.01%). This variant has not been reported in the literature in individuals affected with PLCG2-related conditions. ClinVar contains an entry for this variant (Variation ID: 650329). An algorithm developed to predict the effect of missense changes on protein structure and function outputs the following: PolyPhen-2: "Benign". The valine amino acid residue is found in multiple mammalian species, which suggests that this missense change does not adversely affect protein function. In summary, the available evidence is currently insufficient to determine the role of this variant in disease. Therefore, it has been classified as a Variant of Uncertain Significance.

Ambry Genetics
Classification: Uncertain significance for Inborn genetic diseases. Last evaluated: 2022-11-07. Review status: criteria provided, single submitter. Criteria: Ambry Variant Classification Scheme 2023. Collection method: clinical testing. Allele origin: germline.

CeGaT Center for Human Genetics Tuebingen
Classification: Likely benign. Last evaluated: 2022-07-01. Review status: criteria provided, single submitter. Criteria: CeGaT Center For Human Genetics Tuebingen Variant Classification Criteria Version 2. Collection method: clinical testing. Allele origin: germline. Affected: yes. Observed: 3 variant alleles.
Comment: PLCG2: BP4

Fulgent Genetics
Classification: Uncertain significance for Familial cold autoinflammatory syndrome 3; Autoinflammation-PLCG2-associated antibody deficiency-immune dysregulation. Last evaluated: 2021-11-19. Review status: criteria provided, single submitter. Criteria: ACMG Guidelines, 2015. Collection method: clinical testing. Allele origin: unknown.

Clinical Genetics DNA and cytogenetics Diagnostics Lab, Erasmus MC, Erasmus Medical Center
Classification: Likely benign. Review status: no assertion criteria provided. Collection method: clinical testing. Allele origin: germline. Affected: yes. Study: VKGL Data-share Consensus. Not counted in ClinVar's aggregate classification.

Genome Diagnostics Laboratory, University Medical Center Utrecht
Classification: Likely benign. Review status: no assertion criteria provided. Collection method: clinical testing. Allele origin: germline. Affected: yes. Study: VKGL Data-share Consensus. Not counted in ClinVar's aggregate classification.